The following is an entry in ClinVar:

ClinVar aggregate classification (germline): Uncertain significance (1 of 4 stars; one submission).

Conditions:
GLUT1 deficiency syndrome 1, autosomal recessive. Identifiers: MedGen C3149117.

Submission:

Labcorp Genetics (formerly Invitae), Labcorp
Classification: Uncertain significance for GLUT1 deficiency syndrome 1, autosomal recessive. Last evaluated: 2018-08-12. Review status: criteria provided, single submitter. Criteria: Invitae Variant Classification Sherloc (09022015). Collection method: clinical testing. Allele origin: germline.
Comment: This sequence change replaces methionine with valine at codon 99 of the SLC2A1 protein (p.Met99Val). The methionine residue is weakly conserved and there is a small physicochemical difference between methionine and valine. This variant is not present in population databases (ExAC no frequency). This variant has not been reported in the literature in individuals with SLC2A1-related disease. Algorithms developed to predict the effect of missense changes on protein structure and function output the following: SIFT: "Tolerated"; PolyPhen-2: "Benign"; Align-GVGD: "Class C0". The valine amino acid residue is found in multiple mammalian species, suggesting that this missense change does not adversely affect protein function. These predictions have not been confirmed by published functional studies and their clinical significance is uncertain. Algorithms developed to predict the effect of sequence changes on RNA splicing suggest that this variant may create or strengthen a splice site, but this prediction has not been confirmed by published transcriptional studies. In summary, the available evidence is currently insufficient to determine the role of this variant in disease. Therefore, it has been classified as a Variant of Uncertain Significance.

NM_006516.4(SLC2A1):c.295A>G (p.Met99Val)

Gene: SLC2A1 (solute carrier family 2 member 1; minus strand). Cytogenetic location: 1p34.2.
Variant type: single nucleotide variant.
Coding change: c.295A>G on transcript NM_006516.4 (MANE Select); coding-DNA position 295, A replaced by G.
Protein change: p.Met99Val; replaces methionine 99 with valine.
Molecular consequence: missense variant.
Genome position (GRCh38, 1-based): chr1:42,930,847, T>C on the plus strand (A>G on the coding strand, the complement: SLC2A1 is on the minus strand). VCF-style: chr1-42930847-T-C. GRCh37 (hg19) VCF-style: chr1-43396518-T-C.
Other names: short protein forms M99V.
Identifiers: ClinVar variation 639507 (VCV000639507.9), dbSNP rs1211054711, ClinGen allele CA339961378.
Genomic context (GRCh38, chr1:42,930,847, plus strand): 5'-AGGACTTGCCCAGTTTCGAGAAGCCCATGAGCACGGCGGACACGAAGGCCAGCAGGTTCA[T>C]CATCAGCATTGAATTCCGCCTGGGGACGGGGTCACAGGTCAGGCCAGTGCCCACATTCCT-3'
Protein context (NP_006507.2, residues 89-109): RFGRRNSMLM[Met99Val]NLLAFVSAVL